The following is an entry in ClinVar:

NM_004364.5(CEBPA):c.487_489dup (p.Glu163_Pro164insGlu)

Gene: CEBPA (CCAAT enhancer binding protein alpha; minus strand). Cytogenetic location: 19q13.11.
Variant type: Duplication.
Coding change: c.487_489dup on transcript NM_004364.5 (MANE Select); coding-DNA positions 487 to 489, 3 bases duplicated (GAG; older notation c.487_489dupGAG).
Protein change: p.Glu163_Pro164insGlu.
Molecular consequence: inframe insertion. On other transcripts: inframe indel (1).
Genome position (GRCh38, 1-based): chr19:33,301,926-33,301,928, CTC duplicated on the plus strand (GAG on the coding strand, the reverse complement: CEBPA is on the minus strand); duplicating any 3 consecutive bases within chr19:33,301,926-33,301,930 gives the same sequence; the c. name uses the placement nearest the transcript's 3' end. VCF-style (leftmost placement, unchanged base first): chr19-33301925-G-GCTC. GRCh37 (hg19) VCF-style: chr19-33792831-G-GCTC.
Other names: c.130_132dup, p.Glu44_Pro45insGlu (NM_001285829.2); c.592_594dup, p.Glu198_Pro199insGlu (NM_001287424.2); c.445_447dup, p.Glu149_Pro150insGlu (NM_001287435.2); c.487_489dupGAG (NM_004364.3).
Identifiers: ClinVar variation 4868674 (VCV004868674.1).

ClinVar aggregate classification (germline): Uncertain significance (1 of 4 stars; one submission).

Conditions:
Inborn genetic diseases. Identifiers: MedGen C0950123, MeSH D030342.

Submission:

Ambry Genetics
Classification: Uncertain significance for Inborn genetic diseases. Last evaluated: 2026-04-24. Review status: criteria provided, single submitter. Criteria: Ambry Variant Classification Scheme 2023. Collection method: clinical testing. Allele origin: germline.
Comment: The c.487_489dupGAG variant (also known as p.E163dup), located in coding exon 1 of the CEBPA gene, results from an in-frame duplication of GAG at nucleotide positions 487 to 489. This results in the duplication of an extra residue between codons 163 and 164. This amino acid position is highly conserved in available vertebrate species. In addition, the in silico prediction for this variant is inconclusive (Choi Y et al. PLoS ONE. 2012; 7(10):e46688). Based on the available evidence, the clinical significance of this variant remains unclear.